The following is an entry in ClinVar:

NM_177438.3(DICER1):c.2370dup (p.Lys791fs)

Gene: DICER1 (dicer 1, ribonuclease III; minus strand). Cytogenetic location: 14q32.13.
Variant type: Duplication.
Coding change: c.2370dup on transcript NM_177438.3 (MANE Select); coding-DNA position 2370, one base duplicated (G; older notation c.2370dupG).
Protein change: p.Lys791fs; shifts the reading frame from lysine 791.
Molecular consequence: frameshift variant.
Genome position (GRCh38, 1-based): chr14:95,108,390, C duplicated on the plus strand (G on the coding strand, the reverse complement: DICER1 is on the minus strand); the first of 2 consecutive C bases (chr14:95,108,390-95,108,391); duplicating either gives the same sequence. VCF-style (leftmost placement, unchanged base first): chr14-95108389-T-TC. GRCh37 (hg19) VCF-style: chr14-95574726-T-TC.
Other names: c.2370dup, p.Lys791fs (NM_001195573.1, NM_001271282.3, NM_001291628.2 and 1 more transcripts); short protein forms K791fs.
Identifiers: ClinVar variation 847987 (VCV000847987.9), dbSNP rs1891651807, ClinGen allele CA916081731.

ClinVar aggregate classification (germline): Pathogenic (1 of 4 stars; one submission).

Conditions:
DICER1-related tumor predisposition. Also called: DICER1 syndrome; DICER1-related pleuropulmonary blastoma cancer predisposition syndrome. Identifiers: Orphanet 284343, MedGen C3839822, MONDO:0100216.

Submission:

Labcorp Genetics (formerly Invitae), Labcorp
Classification: Pathogenic for DICER1-related tumor predisposition. Last evaluated: 2021-12-11. Review status: criteria provided, single submitter. Criteria: Invitae Variant Classification Sherloc (09022015). Collection method: clinical testing. Allele origin: germline.
Comment: For these reasons, this variant has been classified as Pathogenic. ClinVar contains an entry for this variant (Variation ID: 847987). This variant has not been reported in the literature in individuals affected with DICER1-related conditions. This variant is not present in population databases (gnomAD no frequency). This sequence change creates a premature translational stop signal (p.Lys791Glufs*6) in the DICER1 gene. It is expected to result in an absent or disrupted protein product. Loss-of-function variants in DICER1 are known to be pathogenic (PMID: 19556464, 21266384).

Literature cited by the submitters: PubMed 19556464; PubMed 21266384.